The following is an entry in ClinVar:

NM_000179.3(MSH6):c.988T>C (p.Ser330Pro)

Gene: MSH6 (mutS homolog 6; plus strand). Cytogenetic location: 2p16.3.
Variant type: single nucleotide variant.
Coding change: c.988T>C on transcript NM_000179.3 (MANE Select); coding-DNA position 988, T replaced by C.
Protein change: p.Ser330Pro; replaces serine 330 with proline.
Molecular consequence: missense variant.
Genome position (GRCh38, 1-based): chr2:47,798,971, T>C. VCF-style: chr2-47798971-T-C. GRCh37 (hg19) VCF-style: chr2-48026110-T-C.
Other names: c.598T>C, p.Ser200Pro (NM_001281492.2); c.82T>C, p.Ser28Pro (NM_001281493.2, NM_001281494.2); short protein forms S330P, S28P, S200P.
Identifiers: ClinVar variation 483814 (VCV000483814.17), dbSNP rs770408023, ClinGen allele CA073692.
Genomic context (GRCh38, chr2:47,798,971, plus strand): 5'-CTTAAAAGGAAAAGCTCTAGGAAGGAAACGCCCTCAGCCACCAAACAAGCAACTAGCATT[T>C]CATCAGAAACCAAGAATACTTTGAGAGCTTTCTCTGCCCCTCAAAATTCTGAATCCCAAG-3'
Protein context (NP_000170.1, residues 320-340): PSATKQATSI[Ser330Pro]SETKNTLRAF

ClinVar aggregate classification (germline): Conflicting classifications of pathogenicity. Review status: criteria provided, conflicting classifications (1 of 4 stars). 4 submissions from 4 submitters: Uncertain significance (3); Benign (1). Last evaluated 2025-11-27.

Conditions:
Hereditary nonpolyposis colorectal neoplasms. Identifiers: MedGen C0009405, MeSH D003123.
Lynch syndrome. Identifiers: Orphanet 144, MedGen C4552100, MONDO:0005835. Disease mechanism: loss of function.
Hereditary cancer-predisposing syndrome. Also called: Neoplastic Syndromes, Hereditary; Tumor predisposition; Hereditary Cancer Syndrome; Hereditary neoplastic syndrome. Identifiers: Orphanet 140162, MedGen C0027672, MeSH D009386, MONDO:0015356.

Allele frequency attached by ClinVar (database versions not stated): gnomAD exomes below 0.00001; ExAC 0.00001.

Submissions (4):

Labcorp Genetics (formerly Invitae), Labcorp
Classification: Benign for Hereditary nonpolyposis colorectal neoplasms. Last evaluated: 2025-11-27. Review status: criteria provided, single submitter. Criteria: Invitae Variant Classification Sherloc (09022015). Collection method: clinical testing. Allele origin: germline.

All of Us Research Program, National Institutes of Health
Classification: Uncertain significance for Lynch syndrome. Last evaluated: 2024-01-11. Review status: criteria provided, single submitter. Criteria: ACMG Guidelines, 2015. Collection method: clinical testing. Allele origin: germline. Inheritance: Autosomal dominant inheritance. Observed: 1 variant allele, 1 heterozygote.
Comment: This study involves interpretation of variants in research participants for the purpose of population health screening. Participant phenotype was not available at the time of variant classification. Additional details can be found in publication PMID: 35346344, PMCID: PMC8962531

GeneDx
Classification: Uncertain significance. Last evaluated: 2023-03-28. Review status: criteria provided, single submitter. Criteria: GeneDx Variant Classification Process June 2021. Collection method: clinical testing. Allele origin: germline. Affected: yes.
Comment: Not observed at significant frequency in large population cohorts (gnomAD); In silico analysis supports that this missense variant does not alter protein structure/function; Has not been previously published as pathogenic or benign to our knowledge; This variant is associated with the following publications: (PMID: 21437237)

Ambry Genetics
Classification: Uncertain significance for Hereditary cancer-predisposing syndrome. Last evaluated: 2019-10-28. Review status: criteria provided, single submitter. Criteria: Ambry Variant Classification Scheme 2023. Collection method: clinical testing. Allele origin: germline.
Comment: The p.S330P variant (also known as c.988T>C), located in coding exon 4 of the MSH6 gene, results from a T to C substitution at nucleotide position 988. The serine at codon 330 is replaced by proline, an amino acid with similar properties. This amino acid position is not well conserved in available vertebrate species. In addition, this alteration is predicted to be tolerated by in silico analysis. Since supporting evidence is limited at this time, the clinical significance of this alteration remains unclear.